The following is an entry in ClinVar:

NM_001372066.1(TFAP2A):c.771-3C>G

Gene: TFAP2A (transcription factor AP-2 alpha; minus strand). Cytogenetic location: 6p24.3.
Variant type: single nucleotide variant.
Coding change: c.771-3C>G on transcript NM_001372066.1 (MANE Select); 3 bases into the intron before coding-DNA position 771, C replaced by G.
Molecular consequence: intron variant.
Genome position (GRCh38, 1-based): chr6:10,402,613, G>C on the plus strand (C>G on the coding strand, the complement: TFAP2A is on the minus strand). VCF-style: chr6-10402613-G-C. GRCh37 (hg19) VCF-style: chr6-10402846-G-C.
Other names: c.753-3C>G (NM_001042425.3); c.747-3C>G (NM_001032280.3).
Identifiers: ClinVar variation 4888331 (VCV004888331.1).

ClinVar aggregate classification (germline): Likely pathogenic (1 of 4 stars; one submission).

Conditions:
Branchiooculofacial syndrome (BOFS). Also called: HEMANGIOMATOUS BRANCHIAL CLEFTS-LIP PSEUDOCLEFT SYNDROME; LIP PSEUDOCLEFT-HEMANGIOMATOUS BRANCHIAL CYST SYNDROME; BOF SYNDROME; Branchio-Oculo-Facial Syndrome. Identifiers: Orphanet 1297, MedGen C0376524, MeSH D019280, MONDO:0007235, OMIM 113620.

Submission:

New York Genome Center
Classification: Likely pathogenic for Branchiooculofacial syndrome. Last evaluated: 2023-08-11. Review status: criteria provided, single submitter. Criteria: NYGC Assertion Criteria 2020. Collection method: clinical testing. Allele origin: de novo. Affected: yes. Observed: 1 variant allele, 1 heterozygote.
Comment: The de novo heterozygous c.771-3C>G splice-region variant identified in intron 4 (of 6) of the TFAP2A gene has not been reported in affected individuals in the literature or public variant repositories (ClinVar and LOVD). The variant is absent from population databases (gnomAD v2.1.1 and v3.1.2, TOPMed Freeze 8), suggesting it is not a common benign variant in the populations represented in those databases. The variant affects an evolutionarily conserved nucleotide and is predicted by multiple in silico tools to alter the wild-type mRNA splicing (TRAP score = 0.716, SpliceAI score = 0.94, VarSeak: Class 5). Transcriptome sequencing was performed on messenger RNA (mRNA) extracted from the cultured amniotic fluid sample. Targeted data analysis was performed to assess the splicing impact of c.771-3C>G variant in the TFAP2A gene. This analysis indicated skipping of exon 5 in approximately 38% of TFAP2A transcripts. Exon 5 skipping is predicted to alter the wild-type translational reading frame, introduce a premature translation termination codon, and subject the aberrantly spliced mRNA to nonsense-mediated decay. Based on this RNA sequencing data, the de novo heterozygous splice-region c.771-3C>G variant identified in the TFAP2A gene is classified as Likely Pathogenic.